The following is an entry in ClinVar:

NM_001329943.3(KIAA0586):c.655A>G (p.Lys219Glu)

Gene: KIAA0586 (KIAA0586; plus strand). Cytogenetic location: 14q23.1.
Variant type: single nucleotide variant.
Coding change: c.655A>G on transcript NM_001329943.3 (MANE Select); coding-DNA position 655, A replaced by G.
Protein change: p.Lys219Glu; replaces lysine 219 with glutamic acid.
Molecular consequence: missense variant.
Genome position (GRCh38, 1-based): chr14:58,444,023, A>G. VCF-style: chr14-58444023-A-G. GRCh37 (hg19) VCF-style: chr14-58910741-A-G.
Other names: c.814A>G, p.Lys272Glu (NM_001244189.2); c.610A>G, p.Lys204Glu (NM_001244190.2); c.400A>G, p.Lys134Glu (NM_001244191.2, NM_001329945.2, NM_001364700.1 and 1 more transcripts); c.523A>G, p.Lys175Glu (NM_001244192.2); c.235A>G, p.Lys79Glu (NM_001244193.2); c.655A>G, p.Lys219Glu (NM_001329944.2, NM_001329946.2, NM_001329947.2 and 1 more transcripts); short protein forms K175E, K272E, K204E, K219E, K79E, K134E.
Identifiers: ClinVar variation 1468925 (VCV001468925.8), dbSNP rs1373940232, ClinGen allele CA389862424.
Genomic context (GRCh38, chr14:58,444,023, plus strand): 5'-GATTTGGAAGCAAAAGTCAATTCTGTTACAGAATTACTTAGTAAATTACAGGAGACTGAT[A>G]AACACCTGCAACGTGTTACAGAGCAGCAAACAAGCATTCAGAGGAAACAAGAGAAATTAC-3'
Protein context (NP_001316872.1, residues 209-229): ELLSKLQETD[Lys219Glu]HLQRVTEQQT

ClinVar aggregate classification (germline): Uncertain significance (1 of 4 stars; one submission).

Conditions:
Joubert syndrome 23 (JBTS23). Identifiers: Orphanet 475, MedGen C4084822, MONDO:0014664, OMIM 616490.
Short-rib thoracic dysplasia 14 with polydactyly (SRTD14). Identifiers: Orphanet 397715, MedGen C4225286, MONDO:0014688, OMIM 616546.

Allele frequency attached by ClinVar (database versions not stated): gnomAD exomes below 0.00001 and 0.00001.
gnomAD v4.1: 8 of 1,612,154 alleles (0.0005%); highest among the groups gnomAD compares: Non-Finnish European, 0.00068%; no homozygotes.

Submission:

Labcorp Genetics (formerly Invitae), Labcorp
Classification: Uncertain significance for Joubert syndrome 23; Short-rib thoracic dysplasia 14 with polydactyly. Last evaluated: 2023-05-08. Review status: criteria provided, single submitter. Criteria: Invitae Variant Classification Sherloc (09022015). Collection method: clinical testing. Allele origin: germline.
Comment: In summary, the available evidence is currently insufficient to determine the role of this variant in disease. Therefore, it has been classified as a Variant of Uncertain Significance. Advanced modeling of protein sequence and biophysical properties (such as structural, functional, and spatial information, amino acid conservation, physicochemical variation, residue mobility, and thermodynamic stability) performed at Invitae indicates that this missense variant is expected to disrupt KIAA0586 protein function. ClinVar contains an entry for this variant (Variation ID: 1468925). This variant has not been reported in the literature in individuals affected with KIAA0586-related conditions. This variant is present in population databases (no rsID available, gnomAD 0.0009%). This sequence change replaces lysine, which is basic and polar, with glutamic acid, which is acidic and polar, at codon 272 of the KIAA0586 protein (p.Lys272Glu).